The following is an entry in ClinVar:

NM_006662.3(SRCAP):c.4105A>T (p.Thr1369Ser)

Gene: SRCAP (Snf2 related CREBBP activator protein; plus strand). Cytogenetic location: 16p11.2.
Variant type: single nucleotide variant.
Coding change: c.4105A>T on transcript NM_006662.3 (MANE Select); coding-DNA position 4105, A replaced by T.
Protein change: p.Thr1369Ser; replaces threonine 1369 with serine.
Molecular consequence: missense variant.
Genome position (GRCh38, 1-based): chr16:30,723,175, A>T. VCF-style: chr16-30723175-A-T. GRCh37 (hg19) VCF-style: chr16-30734496-A-T.
Other names: short protein forms T1369S.
Identifiers: ClinVar variation 1030126 (VCV001030126.1), dbSNP rs751529827, ClinGen allele CA280512850.

ClinVar aggregate classification (germline): Uncertain significance (1 of 4 stars; one submission).

Conditions:
Floating-Harbor syndrome (FLHS). Also called: Short stature with delayed bone age, expressive language delay, a triangular face with a prominent nose and deep-set eyes; Pelletier-Leisti syndrome; SRCAP-Related Floating-Harbor Syndrome. Identifiers: Orphanet 2044, MedGen C0729582, MONDO:0007621, OMIM 136140.

Submission:

Baylor Genetics
Classification: Uncertain significance for Floating-Harbor syndrome. Last evaluated: 2019-07-14. Review status: criteria provided, single submitter. Criteria: ACMG Guidelines, 2015. Collection method: clinical testing. Allele origin: unknown. Affected: yes.
Comment: This variant was determined to be of uncertain significance according to ACMG Guidelines, 2015 [PMID:25741868].